The following is an entry in ClinVar:

NM_001852.4(COL9A2):c.738+5G>T

Gene: COL9A2 (collagen type IX alpha 2 chain; minus strand). Cytogenetic location: 1p34.2.
Variant type: single nucleotide variant.
Coding change: c.738+5G>T on transcript NM_001852.4 (MANE Select); 5 bases into the intron after coding-DNA position 738, G replaced by T.
Molecular consequence: intron variant.
Genome position (GRCh38, 1-based): chr1:40,310,259, C>A on the plus strand (G>T on the coding strand, the complement: COL9A2 is on the minus strand). VCF-style: chr1-40310259-C-A. GRCh37 (hg19) VCF-style: chr1-40775931-C-A.
Identifiers: ClinVar variation 1906267 (VCV001906267.5), dbSNP rs1391869316, ClinGen allele CA735733869.
Genomic context (GRCh38, chr1:40,310,259, plus strand): 5'-CTGAACTCCAGGGGCCAGAAGGCAGCTCCTGGAAGCTCTTGTAGAACACCCCAAGATTCA[C>A]TTACCGTCTCTCCCTTGGGCCCTGCCATGCCTGGGTAGCCCCTGATGCCCTGGGGACCCT-3'

ClinVar aggregate classification (germline): Uncertain significance (1 of 4 stars; one submission).

Allele frequency attached by ClinVar (database versions not stated): TOPMed below 0.00001; gnomAD 0.00001.
gnomAD v4.1: 1 of 1,614,024 alleles (0.000062%); highest among the groups gnomAD compares: Admixed American, 0.0017%; no homozygotes.

Submission:

Labcorp Genetics (formerly Invitae), Labcorp
Classification: Uncertain significance. Last evaluated: 2022-04-21. Review status: criteria provided, single submitter. Criteria: Invitae Variant Classification Sherloc (09022015). Collection method: clinical testing. Allele origin: germline.
Comment: This sequence change falls in intron 14 of the COL9A2 gene. It does not directly change the encoded amino acid sequence of the COL9A2 protein. It affects a nucleotide within the consensus splice site. This variant is not present in population databases (gnomAD no frequency). This variant has not been reported in the literature in individuals affected with COL9A2-related conditions. Variants that disrupt the consensus splice site are a relatively common cause of aberrant splicing (PMID: 17576681, 9536098). Algorithms developed to predict the effect of sequence changes on RNA splicing suggest that this variant is not likely to affect RNA splicing. In summary, the available evidence is currently insufficient to determine the role of this variant in disease. Therefore, it has been classified as a Variant of Uncertain Significance.

Literature cited by the submitters: PubMed 17576681; PubMed 9536098.